The following is an entry in ClinVar:

NM_015274.3(MAN2B2):c.1057+56C>T

Gene: MAN2B2 (mannosidase alpha class 2B member 2; plus strand). Cytogenetic location: 4p16.1.
Variant type: single nucleotide variant.
Coding change: c.1057+56C>T on transcript NM_015274.3 (MANE Select); 56 bases into the intron after coding-DNA position 1057, C replaced by T.
Molecular consequence: intron variant.
Genome position (GRCh38, 1-based): chr4:6,594,788, C>T. VCF-style: chr4-6594788-C-T. GRCh37 (hg19) VCF-style: chr4-6596515-C-T.
Other names: c.904+56C>T (NM_001292038.2).
Identifiers: ClinVar variation 2688042 (VCV002688042.2), dbSNP rs4234761, ClinGen allele CA91798813.

ClinVar aggregate classification (germline): Benign (1 of 4 stars; one submission).

Allele frequency attached by ClinVar (database versions not stated): 1000 Genomes Project 30x 0.97564; TOPMed 0.97799; 1000 Genomes Project 0.97804; gnomAD 0.98099; gnomAD exomes 0.99826.
gnomAD v4.1: 1,527,469 of 1,532,940 alleles (100%); highest among the groups gnomAD compares: East Asian, 100%; 761,171 homozygotes.

Submission:

Unidad de Genómica Garrahan, Hospital de Pediatría Garrahan
Classification: Benign. Last evaluated: 2024-01-24. Review status: criteria provided, single submitter. Criteria: ACMG Guidelines, 2015. Collection method: clinical testing. Allele origin: germline. Affected: no. Observed: 95 variant alleles.
Comment: This variant is classified as Benign based on local population frequency. This variant was detected in 100% of patients studied by a panel of primary immunodeficiencies. Number of patients: 95. Only high quality variants are reported.